The following is an entry in ClinVar:

NM_000540.3(RYR1):c.10483A>G (p.Lys3495Glu)

Gene: RYR1 (ryanodine receptor 1; plus strand). Cytogenetic location: 19q13.2.
Variant type: single nucleotide variant.
Coding change: c.10483A>G on transcript NM_000540.3 (MANE Select); coding-DNA position 10483, A replaced by G.
Protein change: p.Lys3495Glu; replaces lysine 3495 with glutamic acid.
Molecular consequence: missense variant.
Genome position (GRCh38, 1-based): chr19:38,525,359, A>G. VCF-style: chr19-38525359-A-G. GRCh37 (hg19) VCF-style: chr19-39015999-A-G.
Other names: c.10468A>G, p.Lys3490Glu (NM_001042723.2); short protein forms K3490E, K3495E.
Identifiers: ClinVar variation 3070557 (VCV003070557.1), dbSNP rs2514476764, ClinGen allele CA405643475.
Genomic context (GRCh38, chr19:38,525,359, plus strand): 5'-CTTGGGCTGGTGCTGAGCCCTGTGTCCCCACAGTCCGGTGGCTCGGACCAGGAACGCACC[A>G]AGAAGAAGCGCCGGGGGGACCGGTACTCTGTGCAGACGTCACTGATCGTGGCCACACTGA-3'
Protein context (NP_000531.2, residues 3485-3505): QSGGSDQERT[Lys3495Glu]KKRRGDRYSV

ClinVar aggregate classification (germline): Uncertain significance (1 of 4 stars; one submission).

Conditions:
Malignant hyperthermia, susceptibility to, 1 (MHS1). Also called: Anesthesia related hyperthermia; Malignant hyperpyrexia; Fulminating hyperpyrexia; Pharmacogenic myopathy; RYR1-Related Malignant Hyperthermia Susceptibility; Malignant hyperthermia suceptibility 1. Identifiers: Orphanet 423, MedGen C2930980, MONDO:0007783, OMIM 145600.

Submission:

All of Us Research Program, National Institutes of Health
Classification: Uncertain significance for Malignant hyperthermia, susceptibility to, 1. Last evaluated: 2023-04-27. Review status: criteria provided, single submitter. Criteria: ACMG Guidelines, 2015. Collection method: clinical testing. Allele origin: germline. Inheritance: Autosomal dominant inheritance. Observed: 1 variant allele, 1 heterozygote.
Comment: This study involves interpretation of variants in research participants for the purpose of population health screening. Participant phenotype was not available at the time of variant classification. Additional details can be found in publication PMID: 35346344, PMCID: PMC8962531